The following is an entry in ClinVar:

NM_006147.4(IRF6):c.181G>C (p.Ala61Pro)

Gene: IRF6 (interferon regulatory factor 6; minus strand). Cytogenetic location: 1q32.2.
Variant type: single nucleotide variant.
Coding change: c.181G>C on transcript NM_006147.4 (MANE Select); coding-DNA position 181, G replaced by C.
Protein change: p.Ala61Pro; replaces alanine 61 with proline.
Molecular consequence: missense variant. On other transcripts: 5 prime UTR variant (1).
Genome position (GRCh38, 1-based): chr1:209,796,546, C>G on the plus strand (G>C on the coding strand, the complement: IRF6 is on the minus strand). VCF-style: chr1-209796546-C-G. GRCh37 (hg19) VCF-style: chr1-209969891-C-G.
Other names: c.-105G>C (NM_001206696.2); short protein forms A61P.
Identifiers: ClinVar variation 3755398 (VCV003755398.2).
Genomic context (GRCh38, chr1:209,796,546, plus strand): 5'-CCTTCCATTTAGCTGGGTCAGGGTCATCCACCCCTTCCTGGTACTTCCCTGTCTCTACAG[C>G]CCAGGCCTGAGAACAAGAAACCACAGTGAGTCCTATCATTGCCCAGAGCCACTGCAAAGC-3'
Protein context (NP_006138.1, residues 51-71): EEENTIFKAW[Ala61Pro]VETGKYQEGV

ClinVar aggregate classification (germline): Pathogenic (1 of 4 stars; one submission).

Conditions:
Orofacial cleft 6, susceptibility to (OFC6). Also called: CLEFT LIP WITH OR WITHOUT CLEFT PALATE, NONSYNDROMIC, 6. Identifiers: MedGen C1837213, MONDO:0012141, OMIM 608864.
Popliteal pterygium syndrome (PPS). Identifiers: Orphanet 294963, MedGen C0265259, MONDO:0017435.
Van der Woude syndrome. Identifiers: Orphanet 888, MedGen C0175697, MONDO:0019508.

Submission:

Labcorp Genetics (formerly Invitae), Labcorp
Classification: Pathogenic for Orofacial cleft 6, susceptibility to; Van der Woude syndrome; Popliteal pterygium syndrome. Last evaluated: 2024-04-22. Review status: criteria provided, single submitter. Criteria: Invitae Variant Classification Sherloc (09022015). Collection method: clinical testing. Allele origin: germline.
Comment: This sequence change replaces alanine, which is neutral and non-polar, with proline, which is neutral and non-polar, at codon 61 of the IRF6 protein (p.Ala61Pro). This variant is not present in population databases (gnomAD no frequency). This missense change has been observed in individual(s) with clinical features of van der Woude syndrome (Invitae). In at least one individual the variant was observed to be de novo. Advanced modeling of protein sequence and biophysical properties (such as structural, functional, and spatial information, amino acid conservation, physicochemical variation, residue mobility, and thermodynamic stability) performed at Invitae indicates that this missense variant is expected to disrupt IRF6 protein function with a positive predictive value of 80%. This variant disrupts the p.Ala61 amino acid residue in IRF6. Other variant(s) that disrupt this residue have been observed in individuals with IRF6-related conditions (PMID: 12219090, 19282774), which suggests that this may be a clinically significant amino acid residue. For these reasons, this variant has been classified as Pathogenic.

Literature cited by the submitters: PubMed 12219090; PubMed 19282774.